The following is an entry in ClinVar:

NM_001267550.2(TTN):c.12167C>A (p.Pro4056His)

Gene: TTN (titin; minus strand). Cytogenetic location: 2q31.2.
Variant type: single nucleotide variant.
Coding change: c.12167C>A on transcript NM_001267550.2 (MANE Select); coding-DNA position 12167, C replaced by A.
Protein change: p.Pro4056His; replaces proline 4056 with histidine.
Molecular consequence: missense variant. On other transcripts: intron variant (1).
Genome position (GRCh38, 1-based): chr2:178,741,066, G>T on the plus strand (C>A on the coding strand, the complement: TTN is on the minus strand). VCF-style: chr2-178741066-G-T. GRCh37 (hg19) VCF-style: chr2-179605793-G-T.
Other names: c.11216C>A, p.Pro3739His (NM_001256850.1); c.11078C>A, p.Pro3693His (NM_003319.4); c.11453C>A, p.Pro3818His (NM_133432.3); c.11654C>A, p.Pro3885His (NM_133437.4); c.10361-2706C>A (NM_133378.4); short protein forms P3693H, P3739H, P3818H, P3885H, P4056H.
Identifiers: ClinVar variation 4682359 (VCV004682359.1).

ClinVar aggregate classification (germline): Uncertain significance (1 of 4 stars; one submission).

gnomAD v4.1: 2 of 1,613,888 alleles (0.00012%); highest among the groups gnomAD compares: East Asian, 0.0022%; no homozygotes.

Submission:

Athena Diagnostics
Classification: Uncertain significance. Last evaluated: 2025-03-26. Review status: criteria provided, single submitter. Criteria: Athena Diagnostics Criteria. Collection method: clinical testing. Allele origin: unknown.
Comment: Available data are insufficient to determine the clinical significance of the variant at this time. This variant has not been reported in large, multi-ethnic general populations. This variant is in a coding region of the longest isoform of TTN, inferred model NM_001267550.1, however, it is in a non-coding region of the main skeletal isoform NM_133378.4 of TTN.